The following is an entry in ClinVar:

NM_012193.4(FZD4):c.*4775C>T

Genes: FZD4 (frizzled class receptor 4; minus strand), PRSS23 (serine protease 23; plus strand). Cytogenetic location: 11q14.2.
Variant type: single nucleotide variant.
Coding change: c.*4775C>T on transcript NM_012193.4 (MANE Select); 4775 bases downstream of the stop codon, C replaced by T.
Molecular consequence: 3 prime UTR variant.
Genome position (GRCh38, 1-based): chr11:86,946,367, G>A on the plus strand (C>T on the coding strand, the complement: FZD4 is on the minus strand). VCF-style: chr11-86946367-G-A. GRCh37 (hg19) VCF-style: chr11-86657409-G-A.
Identifiers: ClinVar variation 306332 (VCV000306332.6), dbSNP rs61903831, ClinGen allele CA10640371.

ClinVar aggregate classification (germline): Benign. Review status: criteria provided, multiple submitters, no conflicts (2 of 4 stars). 2 submissions from 2 submitters: Benign (2). Last evaluated 2018-01-12.

Conditions:
Exudative vitreoretinopathy 1 (EVR1). Also called: CRISWICK-SCHEPENS SYNDROME; FEVR, AUTOSOMAL DOMINANT; Familial exudative vitreoretinopathy, autosomal dominant. Identifiers: Orphanet 891, Orphanet 90050, MedGen C1851402, MONDO:0007589, OMIM 133780.

Allele frequency attached by ClinVar (database versions not stated): 1000 Genomes Project 0.00459; 1000 Genomes Project 30x 0.00500; gnomAD 0.01120 and 0.01158; TOPMed 0.01192.

Submissions (2):

Illumina Laboratory Services, Illumina
Classification: Benign for Exudative vitreoretinopathy 1. Last evaluated: 2018-01-12. Review status: criteria provided, single submitter. Criteria: ICSL Variant Classification Criteria 13 December 2019. Collection method: clinical testing. Allele origin: germline.
Comment: This variant was observed in the ICSL laboratory as part of a predisposition screen in an ostensibly healthy population. It had not been previously curated by ICSL or reported in the Human Gene Mutation Database (HGMD: prior to June 1st, 2018), and was therefore a candidate for classification through an automated scoring system. Utilizing variant allele frequency, disease prevalence and penetrance estimates, and inheritance mode, an automated score was calculated to assess if this variant is too frequent to cause the disease. Based on the score and internal cut-off values, a variant classified as benign is not then subjected to further curation. The score for this variant resulted in a classification of benign for this disease.

Breakthrough Genomics
Classification: Benign. Review status: criteria provided, single submitter. Criteria: ACMG Guidelines, 2015. Collection method: not provided. Allele origin: germline. Inheritance: Autosomal dominant inheritance. Affected: yes.